The following is an entry in ClinVar:

ClinVar aggregate classification (germline): Benign (0 of 4 stars; one submission).

Conditions:
MYOM2-related disorder. Also called: MYOM2-related condition.

Allele frequency attached by ClinVar (database versions not stated): ESP Exome Variant Server 0.00038; gnomAD 0.00471; ExAC 0.00678; 1000 Genomes Project 30x 0.01031; 1000 Genomes Project 0.01078.
gnomAD v4.1: 3,974 of 1,613,448 alleles (0.25%); highest among the groups gnomAD compares: East Asian, 3.5%; 59 homozygotes.

Submission:

PreventionGenetics, part of Exact Sciences
Classification: Benign for MYOM2-related condition. Last evaluated: 2019-12-24. Review status: no assertion criteria provided. Collection method: clinical testing. Allele origin: germline.
Comment: This variant is classified as benign based on ACMG/AMP sequence variant interpretation guidelines (Richards et al. 2015 PMID: 25741868, with internal and published modifications).

NM_003970.4(MYOM2):c.3930C>T (p.Asp1310=)

Gene: MYOM2 (myomesin 2; plus strand). Cytogenetic location: 8p23.3.
Variant type: single nucleotide variant.
Coding change: c.3930C>T on transcript NM_003970.4 (MANE Select); coding-DNA position 3930, C replaced by T.
Protein change: p.Asp1310=; no amino-acid change (aspartic acid 1310 retained).
Molecular consequence: synonymous variant.
Genome position (GRCh38, 1-based): chr8:2,140,852, C>T. VCF-style: chr8-2140852-C-T. GRCh37 (hg19) VCF-style: chr8-2088775-C-T.
Identifiers: ClinVar variation 3038429 (VCV003038429.2), dbSNP rs3736657, ClinGen allele CA170466451.
Genomic context (GRCh38, chr8:2,140,852, plus strand): 5'-ATGTGAGCCGACTGAGAAGGATAAAGGAAAATACACTTTTGAGATTTTCGATGGCAAAGA[C>T]AACCATCAACGCTCCCTTGACCTGTCCGGACAAGGTAAGAGAATTCTTCTTTAGCATTTA-3'
Protein context (NP_003961.3, residues 1300-1320): KYTFEIFDGK[Asp1310=]NHQRSLDLSG